The following is an entry in ClinVar:

ClinVar aggregate classification (germline): Conflicting classifications of pathogenicity. Review status: criteria provided, conflicting classifications (1 of 4 stars). 13 submissions from 13 submitters: Uncertain significance (10); Likely benign (3). Last evaluated 2026-01-28.

Conditions:
ATM-related disorder. Also called: ATM-related disorders; ATM-related condition.
Hereditary cancer-predisposing syndrome. Also called: Tumor predisposition; Neoplastic Syndromes, Hereditary; Hereditary Cancer Syndrome; Hereditary neoplastic syndrome. Identifiers: Orphanet 140162, MedGen C0027672, MeSH D009386, MONDO:0015356.
Familial cancer of breast. Also called: hereditary breast carcinoma; BREAST CANCER, FAMILIAL; Hereditary breast cancer. Identifiers: Orphanet 227535, MedGen C0346153, MONDO:0016419, OMIM 114480. Disease mechanism: loss of function.
Ataxia-telangiectasia syndrome (AT). Also called: LOUIS-BAR SYNDROME; Ataxia-telangiectasia, complementation group D; Ataxia telangiectasia (A-T); AT, COMPLEMENTATION GROUP C; ATAXIA-TELANGIECTASIA, COMPLEMENTATION GROUP A; ATAXIA-TELANGIECTASIA, FRESNO VARIANT. Identifiers: Orphanet 100, MedGen C0004135, MONDO:0008840, OMIM 208900.

Allele frequency attached by ClinVar (database versions not stated): TOPMed 0.00003; ExAC 0.00004; gnomAD exomes 0.00005; gnomAD 0.00001.
gnomAD v4.1: 36 of 1,613,760 alleles (0.0022%); highest among the groups gnomAD compares: South Asian, 0.02%; no homozygotes.

Submissions (13):

Labcorp Genetics (formerly Invitae), Labcorp
Classification: Likely benign for Ataxia-telangiectasia syndrome. Last evaluated: 2026-01-28. Review status: criteria provided, single submitter. Criteria: Invitae Variant Classification Sherloc (09022015). Collection method: clinical testing. Allele origin: germline.

PreventionGenetics, part of Exact Sciences
Classification: Uncertain significance for ATM-related condition. Last evaluated: 2025-10-28. Review status: criteria provided, single submitter. Criteria: ACMG Guidelines, 2015. Collection method: clinical testing. Allele origin: germline.
Comment: The ATM c.4853G>A variant is predicted to result in the amino acid substitution p.Arg1618Gln. This variant has been reported in two individuals with breast cancer; however, no additional clinical details were provided (Girard et al. 2019. PubMed ID: 30303537, Table S3). This variant is reported in 0.026% of alleles in individuals of South Asian descent in gnomAD and has conflicting interpretations of likely benign and uncertain significance in ClinVar (Variation ID: 184966). Although we suspect that this variant may be benign, at this time, the clinical significance of this variant is uncertain due to the absence of conclusive functional and genetic evidence.

Dipartimento Di Medicina Di Precisione, Università Degli Studi Della Campania Luigi Vanvitelli
Classification: Likely benign for Hereditary cancer-predisposing syndrome. Last evaluated: 2025-07-14. Review status: criteria provided, single submitter. Criteria: ACMG Guidelines, 2015. Collection method: clinical testing. Allele origin: germline. Inheritance: Autosomal dominant inheritance. Affected: yes. Observed: 1 heterozygote.
Comment: The ATM:c.4853G>A (p.Arg1618Gln) variant has been classified as likely benign based on consistent computational predictions and external evidence. In silico tools (REVEL, SIFT, PolyPhen-2) predict a benign effect, and the variant is located at a non-conserved residue outside of known functional domains.

Athena Diagnostics
Classification: Uncertain significance. Last evaluated: 2025-04-25. Review status: criteria provided, single submitter. Criteria: Athena Diagnostics Criteria. Collection method: clinical testing. Allele origin: unknown.
Comment: Available data are insufficient to determine the clinical significance of the variant at this time. The frequency of this variant in the general population is uninformative in assessment of its pathogenicity. Polyphen and MutationTaster predict this amino acid change may be benign.

Center for Genomic Medicine, Rigshospitalet, Copenhagen University Hospital
Classification: Uncertain significance. Last evaluated: 2025-03-04. Review status: criteria provided, single submitter. Criteria: ACMG Guidelines, 2015. Collection method: clinical testing. Allele origin: germline.

St. Jude Molecular Pathology, St. Jude Children's Research Hospital
Classification: Uncertain significance for Ataxia-telangiectasia syndrome. Last evaluated: 2025-02-05. Review status: criteria provided, single submitter. Criteria: St. Jude Assertion Criteria 2020. Collection method: clinical testing. Allele origin: germline.
Comment: The ATM c.4853G>A p.(Arg1618Gln) missense change has a maximum subpopulation frequency of 0.026% in gnomAD v2.1.1. The in silico tool REVEL predicts a benign effect on protein function, but to our knowledge this prediction has not been confirmed by functional studies. To our knowledge, this variant has not been reported in individuals with ataxia telangiectasia. In summary, the evidence currently available is insufficient to determine the clinical significance of this variant. It has therefore been classified as of uncertain significance.

Department of Pathology and Laboratory Medicine, Sinai Health System
Classification: Uncertain significance for Familial cancer of breast. Last evaluated: 2024-05-13. Review status: criteria provided, single submitter. Criteria: ACMG Guidelines, 2015. Collection method: clinical testing. Allele origin: germline. Affected: yes.

Ambry Genetics
Classification: Likely benign for Hereditary cancer-predisposing syndrome. Last evaluated: 2024-03-05. Review status: criteria provided, single submitter. Criteria: Ambry Variant Classification Scheme 2023. Collection method: clinical testing. Allele origin: germline.

Baylor Genetics
Classification: Uncertain significance for Familial cancer of breast. Last evaluated: 2023-10-23. Review status: criteria provided, single submitter. Criteria: ACMG Guidelines, 2015. Collection method: clinical testing. Allele origin: unknown.

Color Diagnostics, LLC DBA Color Health
Classification: Uncertain significance for Hereditary cancer-predisposing syndrome. Last evaluated: 2023-07-11. Review status: criteria provided, single submitter. Criteria: ACMG Guidelines, 2015. Collection method: clinical testing. Allele origin: germline.
Comment: This missense variant replaces arginine with glutamine at codon 1618 of the ATM protein. Computational prediction suggests that this variant may not impact protein structure and function (internally defined REVEL score threshold <= 0.5, PMID: 27666373). To our knowledge, functional studies have not been reported for this variant. This variant has been reported in individuals affected with breast cancer (PMID: 30303537). This variant has been identified in 12/251334 chromosomes in the general population by the Genome Aggregation Database (gnomAD). The available evidence is insufficient to determine the role of this variant in disease conclusively. Therefore, this variant is classified as a Variant of Uncertain Significance.

GeneDx
Classification: Uncertain significance. Last evaluated: 2023-06-29. Review status: criteria provided, single submitter. Criteria: GeneDx Variant Classification Process June 2021. Collection method: clinical testing. Allele origin: germline. Affected: yes.
Comment: Observed in individuals with breast cancer (Girard et al., 2019); In silico analysis supports that this missense variant does not alter protein structure/function; This variant is associated with the following publications: (PMID: 27150160, 32616555, 34359559, 30303537, 28652578)

Sema4
Classification: Uncertain significance for Hereditary cancer-predisposing syndrome. Last evaluated: 2022-02-14. Review status: criteria provided, single submitter. Criteria: Sema4 Curation Guidelines. Collection method: curation. Allele origin: germline.
Comment: The ATM c.4853G>A (p.R1618Q) variant has been reported in heterozygosity in at least three individuals with breast or another type of cancer (PMID: 30303537, 34359559). It was observed in 8/30614 chromosomes of the South Asian subpopulation in the large and broad cohorts of the Genome Aggregation Database (PMID: 32461654). The variant has been reported in ClinVar (Variation ID 184966). In silico tools suggest the impact of the variant on protein function is benign, though these predictions have not been confirmed by functional studies. The evidence is insufficient to meet ACMG/AMP criteria for classifying the variant as benign or pathogenic. Thus, the clinical significance of this variant is currently uncertain.

CeGaT Center for Human Genetics Tuebingen
Classification: Uncertain significance. Last evaluated: 2017-01-01. Review status: criteria provided, single submitter. Criteria: CeGaT Center For Human Genetics Tuebingen Variant Classification Criteria Version 2. Collection method: clinical testing. Allele origin: germline. Affected: yes. Observed: 1 variant allele.

Literature cited by the submitters: PubMed 30303537 (cited by 4 submitters); PubMed 34359559 (cited by Department of Pathology and Laboratory Medicine, Sinai Health System and Sema4); PubMed 28652578 (cited by Department of Pathology and Laboratory Medicine, Sinai Health System and Ambry Genetics).

NM_000051.4(ATM):c.4853G>A (p.Arg1618Gln)

Gene: ATM (ATM serine/threonine kinase; plus strand). Cytogenetic location: 11q22.3.
Variant type: single nucleotide variant.
Coding change: c.4853G>A on transcript NM_000051.4 (MANE Select); coding-DNA position 4853, G replaced by A.
Protein change: p.Arg1618Gln; replaces arginine 1618 with glutamine.
Molecular consequence: missense variant.
Genome position (GRCh38, 1-based): chr11:108,295,003, G>A. VCF-style: chr11-108295003-G-A. GRCh37 (hg19) VCF-style: chr11-108165730-G-A.
Other names: c.4853G>A, p.Arg1618Gln (NM_001351834.2); short protein forms R1618Q.
Identifiers: ClinVar variation 184966 (VCV000184966.72), dbSNP rs765759912, ClinGen allele CA190612.